The following is an entry in ClinVar:

NM_001127222.2(CACNA1A):c.2739C>T (p.Pro913=)

Gene: CACNA1A (calcium voltage-gated channel subunit alpha1 A; minus strand). Cytogenetic location: 19p13.13.
Variant type: single nucleotide variant.
Coding change: c.2739C>T on transcript NM_001127222.2 (MANE Select); coding-DNA position 2739, C replaced by T.
Protein change: p.Pro913=; no amino-acid change (proline 913 retained).
Molecular consequence: synonymous variant.
Genome position (GRCh38, 1-based): chr19:13,298,894, G>A on the plus strand (C>T on the coding strand, the complement: CACNA1A is on the minus strand). VCF-style: chr19-13298894-G-A. GRCh37 (hg19) VCF-style: chr19-13409708-G-A.
Other names: p.Pro914=; c.2751C>T, p.Pro917= (NM_000068.4, NM_023035.3); c.2742C>T, p.Pro914= (NM_001127221.2, NM_001174080.2); c.2739C>T (NM_001127222.1).
Identifiers: ClinVar variation 128549 (VCV000128549.29), dbSNP rs16021, ClinGen allele CA152088.

ClinVar aggregate classification (germline): Benign. Review status: criteria provided, multiple submitters, no conflicts (2 of 4 stars). 9 submissions from 9 submitters: Benign (7). 2 of the submissions do not count toward it. Last evaluated 2026-02-03.

Conditions:
CACNA1A-related disorder. Also called: CACNA1A-related condition.
Episodic ataxia type 2 (EA2). Also called: ACETAZOLAMIDE-RESPONSIVE HEREDITARY PAROXYSMAL CEREBELLAR ATAXIA; ATAXIA, EPISODIC, WITH NYSTAGMUS; ATAXIA, FAMILIAL PAROXYSMAL; CEREBELLAR ATAXIA, PAROXYSMAL, ACETAZOLAMIDE-RESPONSIVE; CEREBELLOPATHY, HEREDITARY PAROXYSMAL; EPISODIC ATAXIA, NYSTAGMUS-ASSOCIATED. Identifiers: Orphanet 97, MedGen C1720416, MONDO:0007163, OMIM 108500.
Developmental and epileptic encephalopathy, 42 (DEE42A). Also called: DEVELOPMENTAL AND EPILEPTIC ENCEPHALOPATHY 42A; EPILEPTIC ENCEPHALOPATHY, EARLY INFANTILE, 42A; Epileptic encephalopathy, early infantile, 42. Identifiers: MedGen C4310716, MONDO:0014917, OMIM 617106.
Inborn genetic diseases. Identifiers: MedGen C0950123, MeSH D030342.

Allele frequency attached by ClinVar (database versions not stated): ESP Exome Variant Server 0.00535; 1000 Genomes Project 0.00559; 1000 Genomes Project 30x 0.00578; TOPMed 0.00613.
gnomAD v4.1: 1,708 of 1,594,498 alleles (0.11%); highest among the groups gnomAD compares: African/African-American, 2%; 14 homozygotes.

Submissions (9):

Labcorp Genetics (formerly Invitae), Labcorp
Classification: Benign for Developmental and epileptic encephalopathy, 42; Episodic ataxia type 2. Last evaluated: 2026-02-03. Review status: criteria provided, single submitter. Criteria: Invitae Variant Classification Sherloc (09022015). Collection method: clinical testing. Allele origin: germline.

Mayo Clinic Laboratories, Mayo Clinic
Classification: Benign. Last evaluated: 2024-05-02. Review status: criteria provided, single submitter. Criteria: ACMG Guidelines, 2015. Collection method: clinical testing. Allele origin: germline. Observed: 4 variant alleles.
Comment: BA1, BP4, BP7

Athena Diagnostics
Classification: Benign. Last evaluated: 2020-03-26. Review status: criteria provided, single submitter. Criteria: Athena Diagnostics Criteria. Collection method: clinical testing. Allele origin: unknown.

GeneDx
Classification: Benign. Last evaluated: 2017-03-01. Review status: criteria provided, single submitter. Criteria: GeneDx Variant Classification (06012015). Collection method: clinical testing. Allele origin: germline. Affected: yes.
Comment: This variant is considered likely benign or benign based on one or more of the following criteria: it is a conservative change, it occurs at a poorly conserved position in the protein, it is predicted to be benign by multiple in silico algorithms, and/or has population frequency not consistent with disease.

Ambry Genetics
Classification: Benign for Inborn genetic diseases. Last evaluated: 2016-06-27. Review status: criteria provided, single submitter. Criteria: Ambry Variant Classification Scheme 2023. Collection method: clinical testing. Allele origin: germline.

Eurofins Ntd Llc (ga)
Classification: Benign. Last evaluated: 2015-06-12. Review status: criteria provided, single submitter. Criteria: EGL Classification Definitions 2015. Collection method: clinical testing. Allele origin: germline. Observed: 1 variant allele, 1 heterozygote.

Breakthrough Genomics
Classification: Benign. Review status: criteria provided, single submitter. Criteria: ACMG Guidelines, 2015. Collection method: not provided. Allele origin: germline. Inheritance: Autosomal dominant inheritance. Affected: yes.

PreventionGenetics, part of Exact Sciences
Classification: Benign for CACNA1A-related condition. Last evaluated: 2019-06-14. Review status: no assertion criteria provided. Collection method: clinical testing. Allele origin: germline. Not counted in ClinVar's aggregate classification.
Comment: This variant is classified as benign based on ACMG/AMP sequence variant interpretation guidelines (Richards et al. 2015 PMID: 25741868, with internal and published modifications).

Genetic Services Laboratory, University of Chicago
Classification: Likely benign for AllHighlyPenetrant. Review status: no assertion criteria provided. Collection method: clinical testing. Allele origin: germline. Inheritance: Autosomal dominant inheritance. Not counted in ClinVar's aggregate classification.
Comment: Likely benign based on allele frequency in 1000 Genomes Project or ESP global frequency and its presence in a patient with a rare or unrelated disease phenotype. NOT Sanger confirmed.